The following is an entry in ClinVar:

ClinVar aggregate classification (germline): Uncertain significance (1 of 4 stars; one submission).

Conditions:
Hereditary cancer-predisposing syndrome. Also called: Neoplastic Syndromes, Hereditary; Tumor predisposition; Hereditary Cancer Syndrome; Hereditary neoplastic syndrome. Identifiers: Orphanet 140162, MedGen C0027672, MeSH D009386, MONDO:0015356.

Submission:

Ambry Genetics
Classification: Uncertain significance for Hereditary cancer-predisposing syndrome. Last evaluated: 2026-08-24. Review status: criteria provided, single submitter. Criteria: Ambry Variant Classification Scheme 2023. Collection method: clinical testing. Allele origin: germline.
Comment: The p.L1174V variant (also known as c.3520C>G), located in coding exon 21 of the PTCH1 gene, results from a C to G substitution at nucleotide position 3520. The leucine at codon 1174 is replaced by valine, an amino acid with highly similar properties. This amino acid position is highly conserved in available vertebrate species. In addition, this alteration is predicted to be deleterious by in silico analysis. Based on the available evidence, the clinical significance of this variant remains unclear.

NM_000264.5(PTCH1):c.3520C>G (p.Leu1174Val)

Gene: PTCH1 (patched 1; minus strand). Cytogenetic location: 9q22.32.
Variant type: single nucleotide variant.
Coding change: c.3520C>G on transcript NM_000264.5 (MANE Select); coding-DNA position 3520, C replaced by G.
Protein change: p.Leu1174Val; replaces leucine 1174 with valine.
Molecular consequence: missense variant. On other transcripts: non-coding transcript variant (1).
Genome position (GRCh38, 1-based): chr9:95,449,870, G>C on the plus strand (C>G on the coding strand, the complement: PTCH1 is on the minus strand). VCF-style: chr9-95449870-G-C. GRCh37 (hg19) VCF-style: chr9-98212152-G-C.
Other names: c.3322C>G, p.Leu1108Val (NM_001083602.3); c.3517C>G, p.Leu1173Val (NM_001083603.3); c.3067C>G, p.Leu1023Val (NM_001083604.3, NM_001083605.3, NM_001083606.3 and 1 more transcripts); c.3364C>G, p.Leu1122Val (NM_001354918.2); short protein forms L1023V, L1108V, L1122V, L1173V, L1174V.
Identifiers: ClinVar variation 3231016 (VCV003231016.2), dbSNP rs2538020918, ClinGen allele CA374111495.